The following is an entry in ClinVar:

ClinVar aggregate classification (germline): Uncertain significance (1 of 4 stars; one submission).

Allele frequency attached by ClinVar (database versions not stated): ExAC 0.00001; gnomAD 0.00001; gnomAD exomes 0.00001; TOPMed 0.00001.
gnomAD v4.1: 24 of 1,613,628 alleles (0.0015%); highest among the groups gnomAD compares: Non-Finnish European, 0.0019%; no homozygotes.

Submission:

Labcorp Genetics (formerly Invitae), Labcorp
Classification: Uncertain significance. Last evaluated: 2022-05-03. Review status: criteria provided, single submitter. Criteria: Invitae Variant Classification Sherloc (09022015). Collection method: clinical testing. Allele origin: germline.
Comment: This sequence change replaces glycine, which is neutral and non-polar, with serine, which is neutral and polar, at codon 474 of the P4HB protein (p.Gly474Ser). This variant is present in population databases (rs200658612, gnomAD 0.007%). This variant has not been reported in the literature in individuals affected with P4HB-related conditions. Algorithms developed to predict the effect of missense changes on protein structure and function are either unavailable or do not agree on the potential impact of this missense change (SIFT: "Deleterious"; PolyPhen-2: "Possibly Damaging"; Align-GVGD: "Class C0"). In summary, the available evidence is currently insufficient to determine the role of this variant in disease. Therefore, it has been classified as a Variant of Uncertain Significance.

NM_000918.4(P4HB):c.1420G>A (p.Gly474Ser)

Gene: P4HB (prolyl 4-hydroxylase subunit beta; minus strand). Cytogenetic location: 17q25.3.
Variant type: single nucleotide variant.
Coding change: c.1420G>A on transcript NM_000918.4 (MANE Select); coding-DNA position 1420, G replaced by A.
Protein change: p.Gly474Ser; replaces glycine 474 with serine.
Molecular consequence: missense variant.
Genome position (GRCh38, 1-based): chr17:81,845,170, C>T on the plus strand (G>A on the coding strand, the complement: P4HB is on the minus strand). VCF-style: chr17-81845170-C-T. GRCh37 (hg19) VCF-style: chr17-79803046-C-T.
Other names: short protein forms G474S.
Identifiers: ClinVar variation 1499194 (VCV001499194.6), dbSNP rs200658612, ClinGen allele CA8842610.